The following is an entry in ClinVar:

NM_014714.4(IFT140):c.772A>T (p.Thr258Ser)

Genes: IFT140 (intraflagellar transport 140; minus strand), LOC105371046 (uncharacterized LOC105371046; plus strand). Cytogenetic location: 16p13.3.
Variant type: single nucleotide variant.
Coding change: c.772A>T on transcript NM_014714.4 (MANE Select); coding-DNA position 772, A replaced by T.
Protein change: p.Thr258Ser; replaces threonine 258 with serine.
Molecular consequence: missense variant.
Genome position (GRCh38, 1-based): chr16:1,589,643, T>A on the plus strand (A>T on the coding strand, the complement: IFT140 is on the minus strand). VCF-style: chr16-1589643-T-A. GRCh37 (hg19) VCF-style: chr16-1639644-T-A.
Other names: short protein forms T258S.
Identifiers: ClinVar variation 318205 (VCV000318205.16), dbSNP rs141254616, ClinGen allele CA7814580.

ClinVar aggregate classification (germline): Conflicting classifications of pathogenicity. Review status: criteria provided, conflicting classifications (1 of 4 stars). 7 submissions from 7 submitters: Uncertain significance (3); Benign (1); Likely benign (3). Last evaluated 2026-08-01.

Conditions:
Saldino-Mainzer syndrome (SRTD9). Also called: Renal dysplasia, retinal pigmentary dystrophy, cerebellar ataxia and skeletal dysplasia; SHORT-RIB THORACIC DYSPLASIA 9 WITHOUT POLYDACTYLY; CONORENAL SYNDROME; short-rib thoracic dysplasia 9 with or without polydactyly. Identifiers: Orphanet 140969, MedGen C1849437, MONDO:0009964, OMIM 266920.
IFT140-related disorder. Also called: IFT140-related condition.
Inborn genetic diseases. Identifiers: MedGen C0950123, MeSH D030342.
Retinal dystrophy. Also called: Inherited retinal dystrophy. Identifiers: Orphanet 71862, MedGen C0854723, MeSH D058499, MONDO:0019118, HP:0000556.

Allele frequency attached by ClinVar (database versions not stated): ExAC 0.00005; TOPMed 0.00006; 1000 Genomes Project 30x 0.00062; 1000 Genomes Project 0.00080.
gnomAD v4.1: 478 of 1,614,180 alleles (0.03%); highest among the groups gnomAD compares: East Asian, 1.1%; 4 homozygotes.

Submissions (7):

CeGaT Center for Human Genetics Tuebingen
Classification: Likely benign. Last evaluated: 2026-08-01. Review status: criteria provided, single submitter. Criteria: CeGaT Center For Human Genetics Tuebingen Variant Classification Criteria Version 2. Collection method: clinical testing. Allele origin: germline. Affected: yes. Observed: 1 variant allele.
Comment: IFT140: BP4, BS1

PreventionGenetics, part of Exact Sciences
Classification: Uncertain significance for IFT140-related condition. Last evaluated: 2026-03-17. Review status: criteria provided, single submitter. Criteria: ACMG Guidelines, 2015. Collection method: clinical testing. Allele origin: germline.
Comment: The IFT140 c.772A>T variant is predicted to result in the amino acid substitution p.Thr258Ser. To our knowledge, this variant has not been reported in the literature. This variant is reported in 0.065% of alleles in individuals of East Asian descent in gnomAD, including 4 homozygotes in the newest version of the database (v4.1), which may be too frequent to be a primary cause of disease. Although we suspect that this variant may be benign, at this time, the clinical significance of this variant is uncertain due to the absence of conclusive functional and genetic evidence.

Labcorp Genetics (formerly Invitae), Labcorp
Classification: Likely benign for Saldino-Mainzer syndrome. Last evaluated: 2025-09-28. Review status: criteria provided, single submitter. Criteria: Invitae Variant Classification Sherloc (09022015). Collection method: clinical testing. Allele origin: germline.

Dept Of Ophthalmology, Nagoya University
Classification: Benign for Retinal dystrophy. Last evaluated: 2023-10-01. Review status: criteria provided, single submitter. Criteria: Submitter's publication. Collection method: research. Allele origin: germline. Affected: yes.

Blueprint Genetics
Classification: Likely benign. Last evaluated: 2023-09-24. Review status: criteria provided, single submitter. Criteria: ACMG Guidelines, 2015. Collection method: clinical testing. Allele origin: germline.

Ambry Genetics
Classification: Uncertain significance for Inborn genetic diseases. Last evaluated: 2021-08-23. Review status: criteria provided, single submitter. Criteria: Ambry Variant Classification Scheme 2023. Collection method: clinical testing. Allele origin: germline.

Illumina Laboratory Services, Illumina
Classification: Uncertain significance for Saldino-Mainzer syndrome. Last evaluated: 2018-01-12. Review status: criteria provided, single submitter. Criteria: ICSL Variant Classification Criteria 13 December 2019. Collection method: clinical testing. Allele origin: germline.